The following is an entry in ClinVar:

NM_052947.4(ALPK2):c.2317G>T (p.Ala773Ser)

Gene: ALPK2 (alpha kinase 2; minus strand). Cytogenetic location: 18q21.31.
Variant type: single nucleotide variant.
Coding change: c.2317G>T on transcript NM_052947.4 (MANE Select); coding-DNA position 2317, G replaced by T.
Protein change: p.Ala773Ser; replaces alanine 773 with serine.
Molecular consequence: missense variant.
Genome position (GRCh38, 1-based): chr18:58,537,870, C>A on the plus strand (G>T on the coding strand, the complement: ALPK2 is on the minus strand). VCF-style: chr18-58537870-C-A. GRCh37 (hg19) VCF-style: chr18-56205102-C-A.
Other names: short protein forms A773S.
Identifiers: ClinVar variation 1789503 (VCV001789503.2), dbSNP rs2518877845, ClinGen allele CA402571021.
Genomic context (GRCh38, chr18:58,537,870, plus strand): 5'-CACACACATTTTCCAGGGTGAGGGCAGTATCTGTGGGTTCAGGGGAAGCAACAGAGACAG[C>A]CACAGGCTCCCTGAAGTCAGCACGAGCATCCTTGGGGAGATGCCTTGAGAACACACCTGG-3'
Protein context (NP_443179.3, residues 763-783): DARADFREPV[Ala773Ser]VSVASPEPTD

ClinVar aggregate classification (germline): Uncertain significance (1 of 4 stars; one submission).

Submission:

Ambry Genetics
Classification: Uncertain significance. Last evaluated: 2021-08-29. Review status: criteria provided, single submitter. Criteria: Ambry Variant Classification Scheme 2023. Collection method: clinical testing. Allele origin: germline.
Comment: The p.A773S variant (also known as c.2317G>T), located in coding exon 4 of the ALPK2 gene, results from a G to T substitution at nucleotide position 2317. The alanine at codon 773 is replaced by serine, an amino acid with similar properties. This amino acid position is conserved. In addition, this alteration is predicted to be tolerated by in silico analysis. Since supporting evidence is limited at this time, the clinical significance of this alteration remains unclear.